The following is an entry in ClinVar:

ClinVar aggregate classification (germline): Uncertain significance. Review status: criteria provided, multiple submitters, no conflicts (2 of 4 stars). 2 submissions from 2 submitters: Uncertain significance (2). Last evaluated 2024-08-14.

gnomAD v4.1: 9 of 1,612,444 alleles (0.00056%); highest among the groups gnomAD compares: African/African-American, 0.004%; no homozygotes.

Submissions (2):

Labcorp Genetics (formerly Invitae), Labcorp
Classification: Uncertain significance. Last evaluated: 2024-08-14. Review status: criteria provided, single submitter. Criteria: Invitae Variant Classification Sherloc (09022015). Collection method: clinical testing. Allele origin: germline.
Comment: This sequence change replaces serine, which is neutral and polar, with leucine, which is neutral and non-polar, at codon 238 of the POLG2 protein (p.Ser238Leu). This variant is present in population databases (rs782716235, gnomAD 0.01%). This variant has not been reported in the literature in individuals affected with POLG2-related conditions. ClinVar contains an entry for this variant (Variation ID: 2557646). An algorithm developed to predict the effect of missense changes on protein structure and function (PolyPhen-2) suggests that this variant is likely to be disruptive. Algorithms developed to predict the effect of sequence changes on RNA splicing suggest that this variant may disrupt the consensus splice site. In summary, the available evidence is currently insufficient to determine the role of this variant in disease. Therefore, it has been classified as a Variant of Uncertain Significance.

Ambry Genetics
Classification: Uncertain significance. Last evaluated: 2023-06-06. Review status: criteria provided, single submitter. Criteria: Ambry Variant Classification Scheme 2023. Collection method: clinical testing. Allele origin: germline.

NM_007215.4(POLG2):c.713C>T (p.Ser238Leu)

Genes: MILR1 (mast cell immunoglobulin like receptor 1; plus strand), POLG2 (DNA polymerase gamma 2, accessory subunit; minus strand). Cytogenetic location: 17q23.3.
Variant type: single nucleotide variant.
Coding change: c.713C>T on transcript NM_007215.4 (MANE Select); coding-DNA position 713, C replaced by T.
Protein change: p.Ser238Leu; replaces serine 238 with leucine.
Molecular consequence: missense variant.
Genome position (GRCh38, 1-based): chr17:64,492,749, G>A on the plus strand (C>T on the coding strand, the complement: POLG2 is on the minus strand). VCF-style: chr17-64492749-G-A. GRCh37 (hg19) VCF-style: chr17-62488866-G-A.
Other names: short protein forms S238L.
Identifiers: ClinVar variation 2557646 (VCV002557646.5), dbSNP rs782716235, ClinGen allele CA8712940.